The following is an entry in ClinVar:

NM_001374736.1(DST):c.14823G>T (p.Trp4941Cys)

Gene: DST (dystonin; minus strand). Cytogenetic location: 6p12.1.
Variant type: single nucleotide variant.
Coding change: c.14823G>T on transcript NM_001374736.1 (MANE Select); coding-DNA position 14823, G replaced by T.
Protein change: p.Trp4941Cys; replaces tryptophan 4941 with cysteine.
Molecular consequence: missense variant.
Genome position (GRCh38, 1-based): chr6:56,555,658, C>A on the plus strand (G>T on the coding strand, the complement: DST is on the minus strand). VCF-style: chr6-56555658-C-A. GRCh37 (hg19) VCF-style: chr6-56420456-C-A.
Other names: c.8466G>T, p.Trp2822Cys (NM_001144769.5); c.8052G>T, p.Trp2684Cys (NM_001144770.2); c.14823G>T, p.Trp4941Cys (NM_001374722.1); c.14190G>T, p.Trp4730Cys (NM_001374729.1); c.7932G>T, p.Trp2644Cys (NM_001374730.1, NM_001386100.1, NM_183380.4); c.14850G>T, p.Trp4950Cys (NM_001374734.1); c.6954G>T, p.Trp2318Cys (NM_015548.5); short protein forms W2318C, W2644C, W2822C, W4941C, W2684C, W4730C, W4950C.
Identifiers: ClinVar variation 4787532 (VCV004787532.1).

ClinVar aggregate classification (germline): Uncertain significance (1 of 4 stars; one submission).

Conditions:
Epidermolysis bullosa simplex 3, localized or generalized intermediate, with BP230 deficiency (EBS3). Also called: Epidermolysis bullosa simplex, autosomal recessive 2; Epidermolysis bullosa simplex due to BP230 deficiency. Identifiers: Orphanet 412181, MedGen C3809470, MONDO:0014180, OMIM 615425.
Hereditary sensory and autonomic neuropathy type 6. Also called: HSAN VI; Neuropathy, hereditary sensory and autonomic, type VI. Identifiers: Orphanet 314381, MedGen C3539003, MONDO:0013839, OMIM 614653.

gnomAD v4.1: 4 of 1,613,954 alleles (0.00025%); highest among the groups gnomAD compares: Admixed American, 0.0067%; no homozygotes.

Submission:

Labcorp Genetics (formerly Invitae), Labcorp
Classification: Uncertain significance for Epidermolysis bullosa simplex 3, localized or generalized intermediate, with BP230 deficiency; Hereditary sensory and autonomic neuropathy type 6. Last evaluated: 2025-09-03. Review status: criteria provided, single submitter. Criteria: Invitae Variant Classification Sherloc (09022015). Collection method: clinical testing. Allele origin: germline.
Comment: The DST gene has multiple clinically relevant transcripts. This variant occurs in alternate transcript NM_015548.4, and corresponds to NM_001723.5:c.*59859G>T in the primary transcript. This sequence change replaces tryptophan, which is neutral and slightly polar, with cysteine, which is neutral and slightly polar, at codon 2318 of the DST protein (p.Trp2318Cys). This variant is present in population databases (rs775185313, gnomAD 0.009%). This variant has not been reported in the literature in individuals affected with DST-related conditions. Experimental studies and prediction algorithms are not available or were not evaluated, and the functional significance of this variant is currently unknown. In summary, the available evidence is currently insufficient to determine the role of this variant in disease. Therefore, it has been classified as a Variant of Uncertain Significance.